The following is an entry in ClinVar:

ClinVar aggregate classification (germline): Likely benign (1 of 4 stars; one submission).

Allele frequency attached by ClinVar (database versions not stated): gnomAD 0.00002; TOPMed 0.00003; ExAC 0.00004.
gnomAD v4.1: 25 of 1,604,188 alleles (0.0016%); highest among the groups gnomAD compares: Admixed American, 0.0083%; no homozygotes.

Submission:

CeGaT Center for Human Genetics Tuebingen
Classification: Likely benign. Last evaluated: 2024-07-01. Review status: criteria provided, single submitter. Criteria: CeGaT Center For Human Genetics Tuebingen Variant Classification Criteria Version 2. Collection method: clinical testing. Allele origin: germline. Affected: yes. Observed: 1 variant allele.
Comment: SETD1A: BP4, BP7

NM_014712.3(SETD1A):c.3915C>T (p.Ala1305=)

Gene: SETD1A (SET domain containing 1A, histone lysine methyltransferase; plus strand). Cytogenetic location: 16p11.2.
Variant type: single nucleotide variant.
Coding change: c.3915C>T on transcript NM_014712.3 (MANE Select); coding-DNA position 3915, C replaced by T.
Protein change: p.Ala1305=; no amino-acid change (alanine 1305 retained).
Molecular consequence: synonymous variant.
Genome position (GRCh38, 1-based): chr16:30,979,701, C>T. VCF-style: chr16-30979701-C-T. GRCh37 (hg19) VCF-style: chr16-30991022-C-T.
Identifiers: ClinVar variation 3250715 (VCV003250715.18), dbSNP rs754761866.